The following is an entry in ClinVar:

NM_174878.3(CLRN1):c.254-649T>G

Gene: CLRN1 (clarin 1; minus strand). Cytogenetic location: 3q25.1.
Variant type: single nucleotide variant.
Coding change: c.254-649T>G on transcript NM_174878.3 (MANE Select); 649 bases into the intron before coding-DNA position 254, T replaced by G.
Molecular consequence: intron variant.
Genome position (GRCh38, 1-based): chr3:150,942,410, A>C on the plus strand (T>G on the coding strand, the complement: CLRN1 is on the minus strand). VCF-style: chr3-150942410-A-C. GRCh37 (hg19) VCF-style: chr3-150660197-A-C.
Other names: c.26-649T>G (NM_052995.2); c.254-649T>G (NM_001195794.1); c.426-649T>G (NM_001256819.2).
Identifiers: ClinVar variation 834124 (VCV000834124.13), dbSNP rs976853535, ClinGen allele CA85692220.

ClinVar aggregate classification (germline): Pathogenic/Likely pathogenic. Review status: criteria provided, multiple submitters, no conflicts (2 of 4 stars). 3 submissions from 3 submitters: Pathogenic (2); Likely pathogenic (1). Last evaluated 2025-04-23.

Conditions:
CLRN1-related disorder. Also called: CLRN1-related condition.

Submissions (3):

Revvity Omics, Revvity
Classification: Likely pathogenic. Last evaluated: 2025-04-23. Review status: criteria provided, single submitter. Criteria: ACMG Guidelines, 2015. Collection method: clinical testing. Allele origin: germline.

Labcorp Genetics (formerly Invitae), Labcorp
Classification: Pathogenic. Last evaluated: 2023-07-25. Review status: criteria provided, single submitter. Criteria: Invitae Variant Classification Sherloc (09022015). Collection method: clinical testing. Allele origin: germline.
Comment: ClinVar contains an entry for this variant (Variation ID: 834124). This variant has been observed in individuals with Usher syndrome (PMID: 28469144). It has also been observed to segregate with disease in related individuals. This variant is not present in population databases (gnomAD no frequency). This sequence change falls in intron 1 of the CLRN1 gene. It does not directly change the encoded amino acid sequence of the CLRN1 protein. Studies have shown that this variant alters mRNA splicing and is expected to lead to the loss of protein expression (PMID: 28469144). For these reasons, this variant has been classified as Pathogenic.

Blueprint Genetics
Classification: Pathogenic for CLRN1-related disorders. Last evaluated: 2021-09-17. Review status: criteria provided, single submitter. Criteria: ACMG Guidelines, 2015. Collection method: clinical testing. Allele origin: germline. Affected: yes. Observed: 1 variant allele.

Literature cited by the submitters: PubMed 28469144 (cited by Labcorp Genetics (formerly Invitae), Labcorp).